The following is an entry in ClinVar:

NM_000152.5(GAA):c.1650dup (p.Thr551fs)

Gene: GAA (alpha glucosidase; plus strand). Cytogenetic location: 17q25.3.
Variant type: Duplication.
Coding change: c.1650dup on transcript NM_000152.5 (MANE Select); coding-DNA position 1650, one base duplicated (G; older notation c.1650dupG).
Protein change: p.Thr551fs; shifts the reading frame from threonine 551.
Molecular consequence: frameshift variant.
Genome position (GRCh38, 1-based): chr17:80,111,996, G duplicated; the last of 6 consecutive G bases (chr17:80,111,991-80,111,996); duplicating any one gives the same sequence. VCF-style (leftmost placement, unchanged base first): chr17-80111990-T-TG. GRCh37 (hg19) VCF-style: chr17-78085789-T-TG.
Other names: c.1650dup, p.Thr551fs (NM_001079803.3, NM_001079804.3); c.1650dupG (NM_000152.4); short protein forms T551fs.
Identifiers: ClinVar variation 853124 (VCV000853124.25), dbSNP rs766398206, ClinGen allele CA8815425.

ClinVar aggregate classification (germline): Pathogenic/Likely pathogenic. Review status: criteria provided, multiple submitters, no conflicts (2 of 4 stars). 9 submissions from 9 submitters: Pathogenic (7); Likely pathogenic (2). Last evaluated 2026-07-01.

Conditions:
GAA-related disorders.
Glycogen storage disease, type II (IOPD). Also called: Glucosidase acid-1,4-alpha deficiency; Glycogen storage disease type 2; Acid maltase deficiency disease; Aglucosidase alfa; Deficiency of alpha-glucosidase; Deficiency of lysosomal alpha-glucosidase. Identifiers: Orphanet 365, MedGen C0017921, MONDO:0009290, OMIM 232300.

Submissions (9):

Genomenon, Inc
Classification: Pathogenic for Glycogen storage disease, type II. Last evaluated: 2026-07-01. Review status: criteria provided, single submitter. Criteria: Genomenon Sequence Variant Interpretation Standards - Updated. Collection method: curation. Allele origin: germline. Affected: yes.
Comment: GAA p.Thr551AspfsTer85 (c.1650dup) is a frameshift variant that is predicted to introduce a premature termination codon and result in a truncated or absent protein product. This variant has been observed in at least one proband with a GAA-related disorder (PMID:23430560). It is absent or not present at a significant frequency in gnomAD. In conclusion, we classify GAA p.Thr551AspfsTer85 (c.1650dup) as a pathogenic variant.

GeneDx
Classification: Pathogenic. Last evaluated: 2026-03-30. Review status: criteria provided, single submitter. Criteria: GeneDx Variant Classification Process June 2021. Collection method: clinical testing. Allele origin: germline.
Comment: Frameshift variant predicted to result in protein truncation or nonsense mediated decay in a gene for which loss of function is a known mechanism of disease; Observed with a second pathogenic or likely pathogenic GAA variant on the opposite allele (in trans) or phase unknown in patients with infantile-onset Pompe disease in published literature (PMID: 22252923, 23430560, 31086307); Not observed at significant frequency in large population cohorts (gnomAD); This variant is associated with the following publications: (PMID: 31254424, 22252923, 31086307, 29122469, 31342611, 23430560)

Natera, Inc.
Classification: Pathogenic for Glycogen storage disease type II. Last evaluated: 2025-09-08. Review status: criteria provided, single submitter. Criteria: Natera Variant Classification Schema (03/2026). Collection method: clinical testing. Allele origin: germline.
Comment: The c.1650dupG variant in GAA is a frameshift variant predicted to shift the reading frame beginning at codon 551 and leads to a stop codon 85 codons downstream. This variant is expected to result in nonsense mediated decay, truncation, or a dysfunctional protein product. This variant is rare in the general population with a frequency below the threshold expected for the associated phenotype(s). This variant has been observed in one or more individuals affected with the associated recessive disease, as either homozygous or compound heterozygous with a second variant (PMID: 25741864). Additionally, this variant has been observed to segregate in affected family members (PMID: 25741864). Given the available evidence, this variant is classified as Pathogenic.

Labcorp Genetics (formerly Invitae), Labcorp
Classification: Pathogenic for Glycogen storage disease, type II. Last evaluated: 2024-05-06. Review status: criteria provided, single submitter. Criteria: Invitae Variant Classification Sherloc (09022015). Collection method: clinical testing. Allele origin: germline.
Comment: This sequence change creates a premature translational stop signal (p.Thr551Aspfs*85) in the GAA gene. It is expected to result in an absent or disrupted protein product. Loss-of-function variants in GAA are known to be pathogenic (PMID: 18425781, 22252923). This variant is present in population databases (rs766398206, gnomAD 0.007%). This premature translational stop signal has been observed in individual(s) with infantile onset Pompe disease (PMID: 22252923, 29122469). ClinVar contains an entry for this variant (Variation ID: 853124). For these reasons, this variant has been classified as Pathogenic.

Women's Health and Genetics/Laboratory Corporation of America, LabCorp
Classification: Pathogenic for Glycogen storage disease, type II. Last evaluated: 2022-05-10. Review status: criteria provided, single submitter. Criteria: LabCorp Variant Classification Summary - May 2015. Collection method: clinical testing. Allele origin: germline.
Comment: Variant summary: GAA c.1650dupG (p.Thr551AspfsX85) results in a premature termination codon, predicted to cause a truncation of the encoded protein or absence of the protein due to nonsense mediated decay, which are commonly known mechanisms for disease. Truncations downstream of this position have been classified as pathogenic by our laboratory. The variant allele was found at a frequency of 4e-06 in 250478 control chromosomes (gnomAD). c.1650dupG has been reported in the literature in individuals affected with Glycogen Storage Disease, Type 2 (Pompe Disease) (Bali_2012, Khallaf_2013, Kishnani_2019). These data indicate that the variant is likely to be associated with disease. To our knowledge, no experimental evidence demonstrating an impact on protein function has been reported. Four ClinVar submitters (evaluation after 2014) cite the variant as pathogenic (n=3) and likely pathogenic (n=1). Based on the evidence outlined above, the variant was classified as pathogenic.

AiLife Diagnostics
Classification: Likely pathogenic. Last evaluated: 2021-09-30. Review status: criteria provided, single submitter. Criteria: ACMG Guidelines, 2015. Collection method: clinical testing. Allele origin: germline. Affected: yes. Observed: 1 variant allele.

Fulgent Genetics
Classification: Likely pathogenic for Glycogen storage disease, type II. Last evaluated: 2021-08-26. Review status: criteria provided, single submitter. Criteria: ACMG Guidelines, 2015. Collection method: clinical testing. Allele origin: unknown.

Revvity Omics, Revvity
Classification: Pathogenic. Last evaluated: 2021-03-02. Review status: criteria provided, single submitter. Criteria: ACMG Guidelines, 2015. Collection method: clinical testing. Allele origin: germline.

Blueprint Genetics
Classification: Pathogenic for GAA-related disorders. Last evaluated: 2020-12-18. Review status: criteria provided, single submitter. Criteria: ACMG Guidelines, 2015. Collection method: clinical testing. Allele origin: germline. Affected: yes. Observed: 1 variant allele.

Literature cited by the submitters: PubMed 23430560 (cited by Genomenon, Inc and Women's Health and Genetics/Laboratory Corporation of America, LabCorp); PubMed 25741864 (cited by Natera, Inc. and Women's Health and Genetics/Laboratory Corporation of America, LabCorp); PubMed 18425781 (cited by Labcorp Genetics (formerly Invitae), Labcorp); PubMed 22252923 (cited by 3 submitters); PubMed 29122469 (cited by Labcorp Genetics (formerly Invitae), Labcorp); PubMed 31086307 (cited by Women's Health and Genetics/Laboratory Corporation of America, LabCorp and AiLife Diagnostics); PubMed 31254424 (cited by Women's Health and Genetics/Laboratory Corporation of America, LabCorp).